The following is an entry in ClinVar:

ClinVar aggregate classification (germline): Uncertain significance. Review status: criteria provided, multiple submitters, no conflicts (2 of 4 stars). 3 submissions from 3 submitters: Uncertain significance (3). Last evaluated 2026-06-06.

Conditions:
Hyperkalemic periodic paralysis. Also called: Familial hyperkalemic periodic paralysis; Gamstorp disease. Identifiers: Orphanet 682, MedGen C0238357, MONDO:0008224, OMIM 170500, HP:0007215.

Allele frequency attached by ClinVar (database versions not stated): ExAC 0.00002; gnomAD exomes 0.00002 and 0.00004; TOPMed 0.00003.

Submissions (3):

GeneDx
Classification: Uncertain significance. Last evaluated: 2026-06-06. Review status: criteria provided, single submitter. Criteria: GeneDx Variant Classification Process June 2021. Collection method: clinical testing. Allele origin: germline.
Comment: In silico analysis suggests that this missense variant does not alter protein structure/function; Has not been previously published as pathogenic or benign to our knowledge

Labcorp Genetics (formerly Invitae), Labcorp
Classification: Uncertain significance for Hyperkalemic periodic paralysis. Last evaluated: 2026-01-06. Review status: criteria provided, single submitter. Criteria: Invitae Variant Classification Sherloc (09022015). Collection method: clinical testing. Allele origin: germline.
Comment: This sequence change replaces isoleucine, which is neutral and non-polar, with valine, which is neutral and non-polar, at codon 1291 of the SCN4A protein (p.Ile1291Val). This variant is present in population databases (rs777298727, gnomAD 0.03%). This missense change has been observed in individual(s) with clinical features of congenital myopathy (internal data). ClinVar contains an entry for this variant (Variation ID: 586514). Invitae Evidence Modeling of protein sequence and biophysical properties (such as structural, functional, and spatial information, amino acid conservation, physicochemical variation, residue mobility, and thermodynamic stability) indicates that this missense variant is not expected to disrupt SCN4A protein function with a negative predictive value of 95%. In summary, the available evidence is currently insufficient to determine the role of this variant in disease. Therefore, it has been classified as a Variant of Uncertain Significance.

Athena Diagnostics
Classification: Uncertain significance. Last evaluated: 2023-10-23. Review status: criteria provided, single submitter. Criteria: Athena Diagnostics Criteria. Collection method: clinical testing. Allele origin: unknown.
Comment: Available data are insufficient to determine the clinical significance of the variant at this time. The frequency of this variant in the general population is higher than would generally be expected for pathogenic variants in this gene. The variant is located in a region that is considered important for protein function and/or structure. Computational tools predict that this variant is damaging.

NM_000334.4(SCN4A):c.3871A>G (p.Ile1291Val)

Genes: GH-LCR (growth hormone locus control region; plus strand), SCN4A (sodium voltage-gated channel alpha subunit 4; minus strand). Cytogenetic location: 17q23.3.
Variant type: single nucleotide variant.
Coding change: c.3871A>G on transcript NM_000334.4 (MANE Select); coding-DNA position 3871, A replaced by G.
Protein change: p.Ile1291Val; replaces isoleucine 1291 with valine.
Molecular consequence: missense variant.
Genome position (GRCh38, 1-based): chr17:63,944,714, T>C on the plus strand (A>G on the coding strand, the complement: SCN4A is on the minus strand). VCF-style: chr17-63944714-T-C. GRCh37 (hg19) VCF-style: chr17-62022074-T-C.
Other names: short protein forms I1291V.
Identifiers: ClinVar variation 586514 (VCV000586514.11), dbSNP rs777298727, ClinGen allele CA8709122.